The following is an entry in ClinVar:

NM_004304.5(ALK):c.1693T>A (p.Ser565Thr)

Gene: ALK (ALK receptor tyrosine kinase; minus strand). Cytogenetic location: 2p23.2.
Variant type: single nucleotide variant.
Coding change: c.1693T>A on transcript NM_004304.5 (MANE Select); coding-DNA position 1693, T replaced by A.
Protein change: p.Ser565Thr; replaces serine 565 with threonine.
Molecular consequence: missense variant.
Genome position (GRCh38, 1-based): chr2:29,297,012, A>T on the plus strand (T>A on the coding strand, the complement: ALK is on the minus strand). VCF-style: chr2-29297012-A-T. GRCh37 (hg19) VCF-style: chr2-29519878-A-T.
Other names: short protein forms S565T.
Identifiers: ClinVar variation 2086677 (VCV002086677.4), dbSNP rs2465372158, ClinGen allele CA346466500.

ClinVar aggregate classification (germline): Uncertain significance (1 of 4 stars; one submission).

Conditions:
Neuroblastoma, susceptibility to, 3. Also called: ALK-Related Neuroblastic Tumor Susceptibility. Identifiers: Orphanet 635, MedGen C2751681, MONDO:0013083, OMIM 613014.

Submission:

Labcorp Genetics (formerly Invitae), Labcorp
Classification: Uncertain significance for Neuroblastoma, susceptibility to, 3. Last evaluated: 2023-11-07. Review status: criteria provided, single submitter. Criteria: Invitae Variant Classification Sherloc (09022015). Collection method: clinical testing. Allele origin: germline.
Comment: This sequence change replaces serine, which is neutral and polar, with threonine, which is neutral and polar, at codon 565 of the ALK protein (p.Ser565Thr). This variant is not present in population databases (gnomAD no frequency). This variant has not been reported in the literature in individuals affected with ALK-related conditions. ClinVar contains an entry for this variant (Variation ID: 2086677). An algorithm developed to predict the effect of missense changes on protein structure and function (PolyPhen-2) suggests that this variant is likely to be disruptive. In summary, the available evidence is currently insufficient to determine the role of this variant in disease. Therefore, it has been classified as a Variant of Uncertain Significance.